The following is an entry in ClinVar:

ClinVar aggregate classification (germline): Conflicting classifications of pathogenicity. Review status: criteria provided, conflicting classifications (1 of 4 stars). 3 submissions from 3 submitters: Likely pathogenic (2); Uncertain significance (1). Last evaluated 2025-06-26.

Conditions:
Beta-thalassemia HBB/LCRB. Identifiers: MedGen CN322236, MONDO:0013517, OMIM 613985.

Allele frequency attached by ClinVar (database versions not stated): gnomAD 0.00002; TOPMed 0.00006.

Submissions (3):

First Genomix Gene Laboratory, Genetic Diagnostics Department
Classification: Likely pathogenic for Beta-thalassemia HBB/LCRB. Last evaluated: 2025-06-26. Review status: criteria provided, single submitter. Criteria: ACMG Guidelines, 2015. Collection method: clinical testing. Allele origin: germline. Inheritance: Autosomal recessive inheritance. Affected: no. Observed: 1 variant allele.

ARUP Laboratories, Molecular Genetics and Genomics, ARUP Laboratories
Classification: Uncertain significance. Last evaluated: 2024-05-01. Review status: criteria provided, single submitter. Criteria: ARUP Molecular Germline Variant Investigation Process 2024. Collection method: clinical testing. Allele origin: germline.
Comment: The HBB c.-240G>A variant (rs753344875), also known as -190G>A, is reported in the literature in an individual presenting with beta-thalassemia intermedia who also carried a beta(0)-thalassemia variant on the opposite chromosome (Agouti 2008). The mother of this individual only carried the c.-240G>A variant and showed normal hemoglobin, red blood cell indices, and HbA2 levels suggesting this variant is a mild beta(+) variant that confers silent carrier status when found on its own (Agouti 2008). Functional studies suggest the c.-240G>A variant may alter transcription factor interactions (Fuxman Bass- see supplemental data table 9). This c.-240G>A variant is reported in ClinVar (Variation ID: 1675446) and is absent from the Genome Aggregation Database, indicating it is not a common polymorphism. Although the current evidence suggests this variant may be pathogenic, due to limited clinical and functional data, the significance of the c.-240G>A variant cannot be determined with certainty at this time. References: Agouti I et al. Beta-thalassemia intermedia due to two novel mutations in the promoter region of the beta-globin gene. Eur J Haematol. 2008 Apr;80(4):346-50. PMID: 18081706. Fuxman Bass JI et al. Human gene-centered transcription factor networks for enhancers and disease variants. Cell. 2015 Apr 23;161(3):661-673. PMID: 25910213.

CeGaT Center for Human Genetics Tuebingen
Classification: Likely pathogenic. Last evaluated: 2022-01-01. Review status: criteria provided, single submitter. Criteria: CeGaT Center For Human Genetics Tuebingen Variant Classification Criteria Version 2. Collection method: clinical testing. Allele origin: germline. Affected: yes. Observed: 1 variant allele.

NC_000011.10:g.5227261C>T

Genes: HBB (hemoglobin subunit beta; minus strand), LOC106099062 (HBB recombination region; plus strand), LOC107133510 (origin of replication at HBB; plus strand). Cytogenetic location: 11p15.4.
Variant type: single nucleotide variant.
Genome position: GRCh38 VCF-style: chr11-5227261-C-T. GRCh37 (hg19) VCF-style: chr11-5248491-C-T.
Other names: c.-240G>A (NM_000518.5).
Identifiers: ClinVar variation 1675446 (VCV001675446.39), dbSNP rs753344875, ClinGen allele CA217117135.